The following is an entry in ClinVar:

ClinVar aggregate classification (germline): Uncertain significance. Review status: criteria provided, multiple submitters, no conflicts (2 of 4 stars). 2 submissions from 2 submitters: Uncertain significance (2). Last evaluated 2026-03-04.

Conditions:
Hereditary cancer-predisposing syndrome. Also called: Neoplastic Syndromes, Hereditary; Tumor predisposition; Hereditary Cancer Syndrome; Hereditary neoplastic syndrome. Identifiers: Orphanet 140162, MedGen C0027672, MeSH D009386, MONDO:0015356.
Hereditary breast ovarian cancer syndrome. Also called: Hereditary breast and ovarian cancer syndrome; Breast and ovarian cancer; Hereditary breast and ovarian cancer; Hereditary breast and/or ovarian cancer syndrome; BRCA1- and BRCA2-Associated Hereditary Breast and Ovarian Cancer; Hereditary breast and ovarian cancer syndrome (HBOC). Identifiers: Orphanet 145, MedGen C0677776, MeSH D061325, MONDO:0003582. Disease mechanism: loss of function.

Allele frequency attached by ClinVar (database versions not stated): ExAC 0.00001; gnomAD exomes 0.00001.
gnomAD v4.1: 9 of 1,607,710 alleles (0.00056%); highest among the groups gnomAD compares: South Asian, 0.01%; no homozygotes.

Submissions (2):

Ambry Genetics
Classification: Uncertain significance for Hereditary cancer-predisposing syndrome. Last evaluated: 2026-03-04. Review status: criteria provided, single submitter. Criteria: Ambry Variant Classification Scheme 2023. Collection method: clinical testing. Allele origin: germline.
Comment: The c.1909+4C>G intronic variant results from a C to G substitution 4 nucleotides after coding exon 9 in the BRCA2 gene. This nucleotide position is not well conserved in available vertebrate species. In silico splice site analysis predicts that this alteration will not have any significant effect on splicing. Based on the available evidence, the clinical significance of this variant remains unclear.

Labcorp Genetics (formerly Invitae), Labcorp
Classification: Uncertain significance for Hereditary breast ovarian cancer syndrome. Last evaluated: 2022-09-26. Review status: criteria provided, single submitter. Criteria: Invitae Variant Classification Sherloc (09022015). Collection method: clinical testing. Allele origin: germline.
Comment: This sequence change falls in intron 10 of the BRCA2 gene. It does not directly change the encoded amino acid sequence of the BRCA2 protein. It affects a nucleotide within the consensus splice site. The frequency data for this variant in the population databases is considered unreliable, as metrics indicate poor data quality at this position in the gnomAD database. This variant has not been reported in the literature in individuals affected with BRCA2-related conditions. Variants that disrupt the consensus splice site are a relatively common cause of aberrant splicing (PMID: 17576681, 9536098). Algorithms developed to predict the effect of sequence changes on RNA splicing suggest that this variant is not likely to affect RNA splicing. In summary, the available evidence is currently insufficient to determine the role of this variant in disease. Therefore, it has been classified as a Variant of Uncertain Significance.

Literature cited by the submitters: PubMed 17576681 (cited by Labcorp Genetics (formerly Invitae), Labcorp); PubMed 9536098 (cited by Labcorp Genetics (formerly Invitae), Labcorp).

NM_000059.4(BRCA2):c.1909+4C>G

Gene: BRCA2 (BRCA2 DNA repair associated; plus strand). Cytogenetic location: 13q13.1.
Variant type: single nucleotide variant.
Coding change: c.1909+4C>G on transcript NM_000059.4 (MANE Select); 4 bases into the intron after coding-DNA position 1909, C replaced by G.
Molecular consequence: intron variant.
Genome position (GRCh38, 1-based): chr13:32,333,391, C>G. VCF-style: chr13-32333391-C-G. GRCh37 (hg19) VCF-style: chr13-32907528-C-G.
Other names: c.1909+4C>G (NM_000059.3).
Identifiers: ClinVar variation 2032640 (VCV002032640.5), dbSNP rs768978701, ClinGen allele CA6940547.